The following is an entry in ClinVar:

ClinVar aggregate classification (germline): Uncertain significance (1 of 4 stars; one submission).

Conditions:
Neonatal-onset encephalopathy with rigidity and seizures. Also called: Lethal neonatal spasticity-epileptic encephalopathy syndrome. Identifiers: Orphanet 435845, MedGen C3281029, MONDO:0013784, OMIM 614498.

Submission:

Labcorp Genetics (formerly Invitae), Labcorp
Classification: Uncertain significance for Neonatal-onset encephalopathy with rigidity and seizures. Last evaluated: 2021-07-22. Review status: criteria provided, single submitter. Criteria: Invitae Variant Classification Sherloc (09022015). Collection method: clinical testing. Allele origin: germline.
Comment: In summary, the available evidence is currently insufficient to determine the role of this variant in disease. Therefore, it has been classified as a Variant of Uncertain Significance. Algorithms developed to predict the effect of missense changes on protein structure and function are either unavailable or do not agree on the potential impact of this missense change (SIFT: "Tolerated"; PolyPhen-2: "Probably Damaging"; Align-GVGD: "Class C0"). This variant has not been reported in the literature in individuals affected with BRAT1-related conditions. This variant is not present in population databases (ExAC no frequency). This sequence change replaces cysteine with arginine at codon 308 of the BRAT1 protein (p.Cys308Arg). The cysteine residue is highly conserved and there is a large physicochemical difference between cysteine and arginine.

NM_152743.4(BRAT1):c.922T>C (p.Cys308Arg)

Gene: BRAT1 (BRCA1 associated ATM activator 1; minus strand). Cytogenetic location: 7p22.3.
Variant type: single nucleotide variant.
Coding change: c.922T>C on transcript NM_152743.4 (MANE Select); coding-DNA position 922, T replaced by C.
Protein change: p.Cys308Arg; replaces cysteine 308 with arginine.
Molecular consequence: missense variant. On other transcripts: non-coding transcript variant (1).
Genome position (GRCh38, 1-based): chr7:2,543,205, A>G on the plus strand (T>C on the coding strand, the complement: BRAT1 is on the minus strand). VCF-style: chr7-2543205-A-G. GRCh37 (hg19) VCF-style: chr7-2582839-A-G.
Other names: c.922T>C, p.Cys308Arg (NM_001350626.2); c.397T>C, p.Cys133Arg (NM_001350627.2); short protein forms C133R, C308R.
Identifiers: ClinVar variation 1408513 (VCV001408513.8), dbSNP rs756185597, ClinGen allele CA366630800.